The following is an entry in ClinVar:

ClinVar aggregate classification (germline): Uncertain significance. Review status: criteria provided, multiple submitters, no conflicts (2 of 4 stars). 2 submissions from 2 submitters: Uncertain significance (2). Last evaluated 2025-03-27.

Conditions:
Inborn genetic diseases. Identifiers: MedGen C0950123, MeSH D030342.
Congenital myasthenic syndrome 12 (CMS12). Also called: MYASTHENIC SYNDROME, CONGENITAL, WITH TUBULAR AGGREGATES 1; Myasthenia, congenital, 12, with tubular aggregates. Identifiers: Orphanet 353327, Orphanet 590, MedGen C3552335, MONDO:0012518, OMIM 610542.

Allele frequency attached by ClinVar (database versions not stated): ExAC 0.00003; gnomAD exomes 0.00003; gnomAD 0.00006; TOPMed 0.00009; ESP Exome Variant Server 0.00023.
gnomAD v4.1: 24 of 1,603,138 alleles (0.0015%); highest among the groups gnomAD compares: African/African-American, 0.024%; no homozygotes.

Submissions (2):

Ambry Genetics
Classification: Uncertain significance for Inborn genetic diseases. Last evaluated: 2025-03-27. Review status: criteria provided, single submitter. Criteria: Ambry Variant Classification Scheme 2023. Collection method: clinical testing. Allele origin: germline.

Labcorp Genetics (formerly Invitae), Labcorp
Classification: Uncertain significance for Congenital myasthenic syndrome 12. Last evaluated: 2022-02-11. Review status: criteria provided, single submitter. Criteria: Invitae Variant Classification Sherloc (09022015). Collection method: clinical testing. Allele origin: germline.
Comment: This sequence change replaces glutamine, which is neutral and polar, with lysine, which is basic and polar, at codon 77 of the GFPT1 protein (p.Gln77Lys). This variant is present in population databases (rs143036820, gnomAD 0.04%). This variant has not been reported in the literature in individuals affected with GFPT1-related conditions. Algorithms developed to predict the effect of missense changes on protein structure and function (SIFT, PolyPhen-2, Align-GVGD) all suggest that this variant is likely to be tolerated. In summary, the available evidence is currently insufficient to determine the role of this variant in disease. Therefore, it has been classified as a Variant of Uncertain Significance.

NM_001244710.2(GFPT1):c.229C>A (p.Gln77Lys)

Gene: GFPT1 (glutamine--fructose-6-phosphate transaminase 1; minus strand). Cytogenetic location: 2p13.3.
Variant type: single nucleotide variant.
Coding change: c.229C>A on transcript NM_001244710.2 (MANE Select); coding-DNA position 229, C replaced by A.
Protein change: p.Gln77Lys; replaces glutamine 77 with lysine.
Molecular consequence: missense variant.
Genome position (GRCh38, 1-based): chr2:69,363,665, G>T on the plus strand (C>A on the coding strand, the complement: GFPT1 is on the minus strand). VCF-style: chr2-69363665-G-T. GRCh37 (hg19) VCF-style: chr2-69590797-G-T.
Other names: c.229C>A (NM_002056.3); c.229C>A, p.Gln77Lys (NM_002056.4); short protein forms Q77K.
Identifiers: ClinVar variation 1493544 (VCV001493544.6), dbSNP rs143036820, ClinGen allele CA1693936.